The following is an entry in ClinVar:

ClinVar aggregate classification (germline): Pathogenic/Likely pathogenic. Review status: criteria provided, multiple submitters, no conflicts (2 of 4 stars). 2 submissions from 2 submitters: Pathogenic (1); Likely pathogenic (1). Last evaluated 2024-03-16.

Conditions:
PMM2-congenital disorder of glycosylation. Also called: PMM2-CDG; PHOSPHOMANNOMUTASE 2 DEFICIENCY; CARBOHYDRATE-DEFICIENT GLYCOPROTEIN SYNDROME, TYPE Ia; CDG Ia; Congenital disorder of glycosylation, type Ia; JAEKEN SYNDROME. Identifiers: Orphanet 79318, MedGen C0349653, MONDO:0008907, OMIM 212065.

Allele frequency attached by ClinVar (database versions not stated): gnomAD exomes below 0.00001 and 0.00001; ExAC 0.00001; TOPMed 0.00002.
gnomAD v4.1: 21 of 1,613,616 alleles (0.0013%); highest among the groups gnomAD compares: Non-Finnish European, 0.0017%; no homozygotes.

Submissions (2):

Labcorp Genetics (formerly Invitae), Labcorp
Classification: Pathogenic for PMM2-congenital disorder of glycosylation. Last evaluated: 2024-03-16. Review status: criteria provided, single submitter. Criteria: Invitae Variant Classification Sherloc (09022015). Collection method: clinical testing. Allele origin: germline.
Comment: This sequence change creates a premature translational stop signal (p.Trp187*) in the PMM2 gene. It is expected to result in an absent or disrupted protein product. Loss-of-function variants in PMM2 are known to be pathogenic (PMID: 19862844). This variant is present in population databases (rs201855351, gnomAD 0.0009%). This variant has not been reported in the literature in individuals affected with PMM2-related conditions. ClinVar contains an entry for this variant (Variation ID: 854121). For these reasons, this variant has been classified as Pathogenic.

Baylor Genetics
Classification: Likely pathogenic for PMM2-congenital disorder of glycosylation. Last evaluated: 2023-12-31. Review status: criteria provided, single submitter. Criteria: ACMG Guidelines, 2015. Collection method: clinical testing. Allele origin: unknown.

Literature cited by the submitters: PubMed 19862844 (cited by Labcorp Genetics (formerly Invitae), Labcorp).

NM_000303.3(PMM2):c.561G>A (p.Trp187Ter)

Gene: PMM2 (phosphomannomutase 2; plus strand). Cytogenetic location: 16p13.2.
Variant type: single nucleotide variant.
Coding change: c.561G>A on transcript NM_000303.3 (MANE Select); coding-DNA position 561, G replaced by A.
Protein change: p.Trp187Ter; replaces tryptophan 187 with a stop codon.
Molecular consequence: nonsense.
Genome position (GRCh38, 1-based): chr16:8,813,028, G>A. VCF-style: chr16-8813028-G-A. GRCh37 (hg19) VCF-style: chr16-8906885-G-A.
Other names: short protein forms W187*.
Identifiers: ClinVar variation 854121 (VCV000854121.9), dbSNP rs201855351, ClinGen allele CA7894134.